The following is an entry in ClinVar:

NM_015466.4(PTPN23):c.260G>A (p.Gly87Asp)

Gene: PTPN23 (protein tyrosine phosphatase non-receptor type 23; plus strand). Cytogenetic location: 3p21.31.
Variant type: single nucleotide variant.
Coding change: c.260G>A on transcript NM_015466.4 (MANE Select); coding-DNA position 260, G replaced by A.
Protein change: p.Gly87Asp; replaces glycine 87 with aspartic acid.
Molecular consequence: missense variant. On other transcripts: intron variant (1).
Genome position (GRCh38, 1-based): chr3:47,404,752, G>A. VCF-style: chr3-47404752-G-A. GRCh37 (hg19) VCF-style: chr3-47446242-G-A.
Other names: c.-91-253G>A (NM_001304482.2); c.260G>A (NM_015466.2); short protein forms G87D.
Identifiers: ClinVar variation 1915960 (VCV001915960.4), dbSNP rs1705082373, ClinGen allele CA352540793.
Genomic context (GRCh38, chr3:47,404,752, plus strand): 5'-TCCTCCGCAAGTACCTCGGCCAGCTTCATTACCTGCAGAGTCGGGTCCCCATGGGCTCGG[G>A]CCAGGAGGCCGCTGTCCCTGTCACCTGGTGAGAGCCGCAGGCAGGGCTGGAGGATCCCAC-3'
Protein context (NP_056281.1, residues 77-97): YLQSRVPMGS[Gly87Asp]QEAAVPVTWT

ClinVar aggregate classification (germline): Uncertain significance. Review status: criteria provided, multiple submitters, no conflicts (2 of 4 stars). 2 submissions from 2 submitters: Uncertain significance (2). Last evaluated 2025-01-16.

Conditions:
Inborn genetic diseases. Identifiers: MedGen C0950123, MeSH D030342.

Allele frequency attached by ClinVar (database versions not stated): gnomAD exomes below 0.00001; gnomAD 0.00001; TOPMed 0.00002.

Submissions (2):

Ambry Genetics
Classification: Uncertain significance for Inborn genetic diseases. Last evaluated: 2025-01-16. Review status: criteria provided, single submitter. Criteria: Ambry Variant Classification Scheme 2023. Collection method: clinical testing. Allele origin: germline.

Labcorp Genetics (formerly Invitae), Labcorp
Classification: Uncertain significance. Last evaluated: 2023-07-07. Review status: criteria provided, single submitter. Criteria: Invitae Variant Classification Sherloc (09022015). Collection method: clinical testing. Allele origin: germline.
Comment: This variant is not present in population databases (gnomAD no frequency). This sequence change replaces glycine, which is neutral and non-polar, with aspartic acid, which is acidic and polar, at codon 87 of the PTPN23 protein (p.Gly87Asp). This variant has not been reported in the literature in individuals affected with PTPN23-related conditions. ClinVar contains an entry for this variant (Variation ID: 1915960). Experimental studies and prediction algorithms are not available or were not evaluated, and the functional significance of this variant is currently unknown. In summary, the available evidence is currently insufficient to determine the role of this variant in disease. Therefore, it has been classified as a Variant of Uncertain Significance.